The following is an entry in ClinVar:

ClinVar aggregate classification (germline): Uncertain significance (1 of 4 stars; one submission).

Conditions:
Inborn genetic diseases. Identifiers: MedGen C0950123, MeSH D030342.

Submission:

Ambry Genetics
Classification: Uncertain significance for Inborn genetic diseases. Last evaluated: 2025-05-22. Review status: criteria provided, single submitter. Criteria: Ambry Variant Classification Scheme 2023. Collection method: clinical testing. Allele origin: germline.
Comment: The p.A807S variant (also known as c.2419G>T), located in coding exon 26 of the FANCA gene, results from a G to T substitution at nucleotide position 2419. The alanine at codon 807 is replaced by serine, an amino acid with similar properties. This amino acid position is conserved. In addition, this alteration is predicted to be tolerated by in silico analysis. Based on the available evidence, the clinical significance of this variant remains unclear.

NM_000135.4(FANCA):c.2419G>T (p.Ala807Ser)

Gene: FANCA (FA complementation group A; minus strand). Cytogenetic location: 16q24.3.
Variant type: single nucleotide variant.
Coding change: c.2419G>T on transcript NM_000135.4 (MANE Select); coding-DNA position 2419, G replaced by T.
Protein change: p.Ala807Ser; replaces alanine 807 with serine.
Molecular consequence: missense variant.
Genome position (GRCh38, 1-based): chr16:89,769,922, C>A on the plus strand (G>T on the coding strand, the complement: FANCA is on the minus strand). VCF-style: chr16-89769922-C-A. GRCh37 (hg19) VCF-style: chr16-89836330-C-A.
Other names: c.2419G>T, p.Ala807Ser (NM_001286167.3); short protein forms A807S.
Identifiers: ClinVar variation 4022300 (VCV004022300.1).